The following is an entry in ClinVar:

ClinVar aggregate classification (germline): Uncertain significance (1 of 4 stars; one submission).

Conditions:
Hereditary cancer-predisposing syndrome. Also called: Neoplastic Syndromes, Hereditary; Tumor predisposition; Hereditary Cancer Syndrome; Hereditary neoplastic syndrome. Identifiers: Orphanet 140162, MedGen C0027672, MeSH D009386, MONDO:0015356.

Submission:

Ambry Genetics
Classification: Uncertain significance for Hereditary cancer-predisposing syndrome. Last evaluated: 2022-09-12. Review status: criteria provided, single submitter. Criteria: Ambry Variant Classification Scheme 2023. Collection method: clinical testing. Allele origin: germline.
Comment: The c.1601_1612del12 variant (also known as p.E534_R537del) is located in coding exon 12 of the POLD1 gene. This variant results from a deletion of 12 nucleotides at positions 1601 to 1612. This results in an in-frame deletion of four amino acids at codons 534 to 537. These amino acid positions are well conserved in available vertebrate species. In addition, this alteration is predicted to be deleterious by in silico analysis (Choi Y et al. PLoS ONE. 2012; 7(10):e46688). Since supporting evidence is limited at this time, the clinical significance of this alteration remains unclear.

NM_002691.4(POLD1):c.1601_1612del (p.Glu534_Arg537del)

Gene: POLD1 (DNA polymerase delta 1, catalytic subunit; plus strand). Cytogenetic location: 19q13.33.
Variant type: Deletion.
Coding change: c.1601_1612del on transcript NM_002691.4 (MANE Select); coding-DNA positions 1601 to 1612, 12 bases deleted (AGATGGCGAGGG).
Protein change: p.Glu534_Arg537del.
Molecular consequence: inframe deletion. On other transcripts: non-coding transcript variant (1).
Genome position (GRCh38, 1-based): chr19:50,407,089-50,407,100, AGATGGCGAGGG deleted; deleting any 12 consecutive bases within chr19:50,407,087-50,407,100 gives the same sequence; the c. name uses the placement nearest the transcript's 3' end. VCF-style (leftmost placement, unchanged base first): chr19-50407086-TGGAGATGGCGAG-T. GRCh37 (hg19) VCF-style: chr19-50910343-TGGAGATGGCGAG-T.
Other names: c.1601_1612del, p.Glu534_Arg537del (NM_001256849.1, NM_001308632.1).
Identifiers: ClinVar variation 1776179 (VCV001776179.2), dbSNP rs2514000350, ClinGen allele CA2580097641.
Genomic context (GRCh38, chr19:50,407,086, plus strand): 5'-TGAAGGATGCCTACCTGCCACTGCGGCTGCTGGAGCGGCTCATGGTGCTGGTGAACGCCG[TGGAGATGGCGAG>T]GGTCACTGGCGTGCCCCTCAGCTACCTGCTCAGTCGTGGCCAGCAGGTCAAGGTCGTATC-3'